The following is an entry in ClinVar:

ClinVar aggregate classification (germline): Uncertain significance (1 of 4 stars; one submission).

Allele frequency attached by ClinVar (database versions not stated): gnomAD exomes below 0.00001; ExAC 0.00001; gnomAD 0.00001; TOPMed 0.00001.
gnomAD v4.1: 5 of 1,613,810 alleles (0.00031%); highest among the groups gnomAD compares: African/African-American, 0.0013%; no homozygotes.

Submission:

Labcorp Genetics (formerly Invitae), Labcorp
Classification: Uncertain significance. Last evaluated: 2023-05-25. Review status: criteria provided, single submitter. Criteria: Invitae Variant Classification Sherloc (09022015). Collection method: clinical testing. Allele origin: germline.
Comment: This sequence change replaces alanine, which is neutral and non-polar, with threonine, which is neutral and polar, at codon 403 of the RAI1 protein (p.Ala403Thr). This variant is present in population databases (rs766462802, gnomAD 0.007%). This variant has not been reported in the literature in individuals affected with RAI1-related conditions. ClinVar contains an entry for this variant (Variation ID: 1922672). An algorithm developed to predict the effect of missense changes on protein structure and function (PolyPhen-2) suggests that this variant is likely to be tolerated. In summary, the available evidence is currently insufficient to determine the role of this variant in disease. Therefore, it has been classified as a Variant of Uncertain Significance.

NM_030665.4(RAI1):c.1207G>A (p.Ala403Thr)

Gene: RAI1 (retinoic acid induced 1; plus strand). Cytogenetic location: 17p11.2.
Variant type: single nucleotide variant.
Coding change: c.1207G>A on transcript NM_030665.4 (MANE Select); coding-DNA position 1207, G replaced by A.
Protein change: p.Ala403Thr; replaces alanine 403 with threonine.
Molecular consequence: missense variant.
Genome position (GRCh38, 1-based): chr17:17,794,155, G>A. VCF-style: chr17-17794155-G-A. GRCh37 (hg19) VCF-style: chr17-17697469-G-A.
Other names: short protein forms A403T.
Identifiers: ClinVar variation 1922672 (VCV001922672.5), dbSNP rs766462802, ClinGen allele CA8418290.
Genomic context (GRCh38, chr17:17,794,155, plus strand): 5'-CCCGCAGGGATCACTGACCACAGCCACTTCATGCCCCTGCTCAATCCCTCCCCAACGGAT[G>A]CCACCAGCTCTGTGGACACCCAGGCTGGCAACTGCAAGCCCCTTCAGAAGGACAAGCTCC-3'
Protein context (NP_109590.3, residues 393-413): MPLLNPSPTD[Ala403Thr]TSSVDTQAGN